The following is an entry in ClinVar:

ClinVar aggregate classification (germline): Likely benign (0 of 4 stars; one submission).

Conditions:
RSPH3-related disorder. Also called: RSPH3-related condition.

Allele frequency attached by ClinVar (database versions not stated): ExAC 0.00003.
gnomAD v4.1: 15 of 1,613,636 alleles (0.00093%); highest among the groups gnomAD compares: South Asian, 0.0055%; no homozygotes.

Submission:

PreventionGenetics, part of Exact Sciences
Classification: Likely benign for RSPH3-related condition. Last evaluated: 2020-06-19. Review status: no assertion criteria provided. Collection method: clinical testing. Allele origin: germline.
Comment: This variant is classified as likely benign based on ACMG/AMP sequence variant interpretation guidelines (Richards et al. 2015 PMID: 25741868, with internal and published modifications).

NM_031924.8(RSPH3):c.-292T>A

Gene: RSPH3 (radial spoke head 3; minus strand). Cytogenetic location: 6q25.3.
Variant type: single nucleotide variant.
Coding change: c.-292T>A on transcript NM_031924.8 (MANE Select); 292 bases upstream of the start codon, T replaced by A.
Molecular consequence: 5 prime UTR variant. On other transcripts: synonymous variant (1), non-coding transcript variant (1).
Genome position (GRCh38, 1-based): chr6:158,999,842, A>T on the plus strand (T>A on the coding strand, the complement: RSPH3 is on the minus strand). VCF-style: chr6-158999842-A-T. GRCh37 (hg19) VCF-style: chr6-159420874-A-T.
Other names: c.135T>A, p.Pro45= (NM_001346418.1).
Identifiers: ClinVar variation 3058835 (VCV003058835.2), dbSNP rs764036988, ClinGen allele CA4076099.